The following is an entry in ClinVar:

ClinVar aggregate classification (germline): Uncertain significance. Review status: criteria provided, multiple submitters, no conflicts (2 of 4 stars). 4 submissions from 4 submitters: Uncertain significance (4). Last evaluated 2025-05-14.

Conditions:
Arrhythmogenic right ventricular cardiomyopathy (ARVD). Also called: Cardiomyopathy, ARVC; Arrhythmogenic right ventricular dysplasia; Arrhythmogenic Right Ventricular Cardiomyopathy (ARVC); Arrhythmogenic cardiomyopathy. Identifiers: Orphanet 247, MedGen C0349788, MeSH D019571, MONDO:0016587. Disease mechanism: loss of function. Inheritance: Various modes of inheritance.
Cardiovascular phenotype. Identifiers: MedGen CN230736.
Cardiomyopathy (CMYO). Also called: Cardiomyopathies. Identifiers: Orphanet 167848, MedGen C0878544, MONDO:0004994, HP:0001638. Inheritance: Various modes of inheritance.
Arrhythmogenic right ventricular dysplasia 10. Also called: Arrhythmogenic right ventricular dysplasia/cardiomyopathy, type 10; Arrhythmogenic Right Ventricular Dysplasia/Cardiomyopathy10; ARRHYTHMOGENIC RIGHT VENTRICULAR DYSPLASIA, FAMILIAL, 10. Identifiers: MedGen C1857777, MONDO:0012434, OMIM 610193.

Allele frequency attached by ClinVar (database versions not stated): TOPMed below 0.00001; gnomAD 0.00001; gnomAD exomes 0.00001 and 0.00002.
gnomAD v4.1: 33 of 1,614,082 alleles (0.002%); highest among the groups gnomAD compares: Non-Finnish European, 0.0027%; no homozygotes.

Submissions (4):

Labcorp Genetics (formerly Invitae), Labcorp
Classification: Uncertain significance for Arrhythmogenic right ventricular dysplasia 10. Last evaluated: 2025-05-14. Review status: criteria provided, single submitter. Criteria: Invitae Variant Classification Sherloc (09022015). Collection method: clinical testing. Allele origin: germline.
Comment: This sequence change replaces isoleucine, which is neutral and non-polar, with serine, which is neutral and polar, at codon 487 of the DSG2 protein (p.Ile487Ser). This variant is present in population databases (rs776525113, gnomAD 0.003%). This variant has not been reported in the literature in individuals affected with DSG2-related conditions. ClinVar contains an entry for this variant (Variation ID: 1332290). Invitae Evidence Modeling of protein sequence and biophysical properties (such as structural, functional, and spatial information, amino acid conservation, physicochemical variation, residue mobility, and thermodynamic stability) has been performed for this missense variant. However, the output from this modeling did not meet the statistical confidence thresholds required to predict the impact of this variant on DSG2 protein function. In summary, the available evidence is currently insufficient to determine the role of this variant in disease. Therefore, it has been classified as a Variant of Uncertain Significance.

Ambry Genetics
Classification: Uncertain significance for Cardiovascular phenotype. Last evaluated: 2025-01-08. Review status: criteria provided, single submitter. Criteria: Ambry Variant Classification Scheme 2023. Collection method: clinical testing. Allele origin: germline.

Color Diagnostics, LLC DBA Color Health
Classification: Uncertain significance for Cardiomyopathy. Last evaluated: 2024-03-07. Review status: criteria provided, single submitter. Criteria: ACMG Guidelines, 2015. Collection method: clinical testing. Allele origin: germline.
Comment: This missense variant replaces isoleucine with serine at codon 487 of the DSG2 protein. Computational prediction is inconclusive regarding the impact of this variant on protein structure and function (internally defined REVEL score threshold 0.5 < inconclusive < 0.7, PMID: 27666373). To our knowledge, functional studies have not been reported for this variant. This variant has not been reported in individuals affected with cardiovascular disorders in the literature. This variant has been identified in 3/249344 chromosomes in the general population by the Genome Aggregation Database (gnomAD). The available evidence is insufficient to determine the role of this variant in disease conclusively. Therefore, this variant is classified as a Variant of Uncertain Significance.

All of Us Research Program, National Institutes of Health
Classification: Uncertain significance for Arrhythmogenic right ventricular cardiomyopathy. Last evaluated: 2024-01-11. Review status: criteria provided, single submitter. Criteria: ACMG Guidelines, 2015. Collection method: clinical testing. Allele origin: germline. Inheritance: Autosomal dominant inheritance. Observed: 1 variant allele, 1 heterozygote.
Comment: This missense variant replaces isoleucine with serine at codon 487 of the DSG2 protein. Computational prediction is inconclusive regarding the impact of this variant on protein structure and function (internally defined REVEL score threshold 0.5 < inconclusive < 0.7, PMID: 27666373). To our knowledge, functional studies have not been reported for this variant. This variant has not been reported in individuals affected with cardiovascular disorders in the literature. This variant has been identified in 3/249344 chromosomes in the general population by the Genome Aggregation Database (gnomAD). The available evidence is insufficient to determine the role of this variant in disease conclusively. Therefore, this variant is classified as a Variant of Uncertain Significance.

This study involves interpretation of variants in research participants for the purpose of population health screening. Participant phenotype was not available at the time of variant classification. Additional details can be found in publication PMID: 35346344, PMCID: PMC8962531

NM_001943.5(DSG2):c.1460T>G (p.Ile487Ser)

Gene: DSG2 (desmoglein 2; plus strand). Cytogenetic location: 18q12.1.
Variant type: single nucleotide variant.
Coding change: c.1460T>G on transcript NM_001943.5 (MANE Select); coding-DNA position 1460, T replaced by G.
Protein change: p.Ile487Ser; replaces isoleucine 487 with serine.
Molecular consequence: missense variant.
Genome position (GRCh38, 1-based): chr18:31,536,238, T>G. VCF-style: chr18-31536238-T-G. GRCh37 (hg19) VCF-style: chr18-29116201-T-G.
Other names: c.1460T>G (NM_001943.3); short protein forms I487S.
Identifiers: ClinVar variation 1332290 (VCV001332290.11), dbSNP rs776525113, ClinGen allele CA297741309.